The following is an entry in ClinVar:

NM_005918.4(MDH2):c.596G>A (p.Gly199Asp)

Gene: MDH2 (malate dehydrogenase 2; plus strand). Cytogenetic location: 7q11.23.
Variant type: single nucleotide variant.
Coding change: c.596G>A on transcript NM_005918.4 (MANE Select); coding-DNA position 596, G replaced by A.
Protein change: p.Gly199Asp; replaces glycine 199 with aspartic acid.
Molecular consequence: missense variant.
Genome position (GRCh38, 1-based): chr7:76,063,555, G>A. VCF-style: chr7-76063555-G-A. GRCh37 (hg19) VCF-style: chr7-75692873-G-A.
Other names: c.470G>A, p.Gly157Asp (NM_001282403.2); c.275G>A, p.Gly92Asp (NM_001282404.2); short protein forms G199D, G92D, G157D.
Identifiers: ClinVar variation 2620154 (VCV002620154.2), dbSNP rs1798009457, ClinGen allele CA367766731.

ClinVar aggregate classification (germline): Uncertain significance (1 of 4 stars; one submission).

Conditions:
Inborn genetic diseases. Identifiers: MedGen C0950123, MeSH D030342.

Submission:

Ambry Genetics
Classification: Uncertain significance for Inborn genetic diseases. Last evaluated: 2023-09-07. Review status: criteria provided, single submitter. Criteria: Ambry Variant Classification Scheme 2023. Collection method: clinical testing. Allele origin: germline.
Comment: The p.G199D variant (also known as c.596G>A), located in coding exon 6 of the MDH2 gene, results from a G to A substitution at nucleotide position 596. The glycine at codon 199 is replaced by aspartic acid, an amino acid with similar properties. This amino acid position is conserved. In addition, this alteration is predicted to be deleterious by in silico analysis. Since supporting evidence is limited at this time, the clinical significance of this alteration remains unclear.